The following is an entry in ClinVar:

NC_000005.9:g.(?_80021262)_(80088673_?)del

Gene: MSH3 (mutS homolog 3; plus strand). Cytogenetic location: 5q14.1.
Variant type: Deletion.
Identifiers: ClinVar variation 1458056 (VCV001458056.7).

ClinVar aggregate classification (germline): Pathogenic (1 of 4 stars; one submission).

Submission:

Labcorp Genetics (formerly Invitae), Labcorp
Classification: Pathogenic. Last evaluated: 2022-04-03. Review status: criteria provided, single submitter. Criteria: Invitae Variant Classification Sherloc (09022015). Collection method: clinical testing. Allele origin: germline.
Comment: For these reasons, this variant has been classified as Pathogenic. This variant has not been reported in the literature in individuals affected with MSH3-related conditions. This variant is a gross deletion of the genomic region encompassing exon(s) 9-19 of the MSH3 gene. This deletion is out-of-frame, and is expected to create a premature termination codon and result in an absent or disrupted protein product. Loss-of-function variants in MSH3 are known to be pathogenic (PMID: 27476653).

Literature cited by the submitters: PubMed 27476653.